The following is an entry in ClinVar:

NM_000283.4(PDE6B):c.1952G>A (p.Arg651Gln)

Gene: PDE6B (phosphodiesterase 6B; plus strand). Cytogenetic location: 4p16.3.
Variant type: single nucleotide variant.
Coding change: c.1952G>A on transcript NM_000283.4 (MANE Select); coding-DNA position 1952, G replaced by A.
Protein change: p.Arg651Gln; replaces arginine 651 with glutamine.
Molecular consequence: missense variant.
Genome position (GRCh38, 1-based): chr4:663,801, G>A. VCF-style: chr4-663801-G-A. GRCh37 (hg19) VCF-style: chr4-657590-G-A.
Other names: c.1952G>A, p.Arg651Gln (NM_001145291.2); c.1115G>A, p.Arg372Gln (NM_001145292.2, NM_001350154.3, NM_001379246.1 and 1 more transcripts); c.797G>A, p.Arg266Gln (NM_001350155.3); short protein forms R651Q, R372Q, R266Q.
Identifiers: ClinVar variation 2557384 (VCV002557384.6), dbSNP rs138626553, ClinGen allele CA2794790.
Genomic context (GRCh38, chr4:663,801, plus strand): 5'-GCCTGACGCGCTGGGCATAACCTCCGCAGACCCTGAACATCTACCAGAACCTGAACCGGC[G>A]GCAGCACGAGCACGTGATCCACCTGATGGACATCGCCATCATCGCCACGGACCTGGCCCT-3'
Protein context (NP_000274.3, residues 641-661): TLNIYQNLNR[Arg651Gln]QHEHVIHLMD

ClinVar aggregate classification (germline): Uncertain significance. Review status: criteria provided, multiple submitters, no conflicts (2 of 4 stars). 3 submissions from 3 submitters: Uncertain significance (3). Last evaluated 2024-08-21.

Conditions:
Inborn genetic diseases. Identifiers: MedGen C0950123, MeSH D030342.

Allele frequency attached by ClinVar (database versions not stated): TOPMed 0.00002; ExAC 0.00003; gnomAD 0.00003; gnomAD exomes 0.00003; ESP Exome Variant Server 0.00015.
gnomAD v4.1: 52 of 1,612,212 alleles (0.0032%); highest among the groups gnomAD compares: African/African-American, 0.004%; 1 homozygote.

Submissions (3):

Blueprint Genetics
Classification: Uncertain significance. Last evaluated: 2024-08-21. Review status: criteria provided, single submitter. Criteria: ACMG Guidelines, 2015. Collection method: clinical testing. Allele origin: germline.

Labcorp Genetics (formerly Invitae), Labcorp
Classification: Uncertain significance. Last evaluated: 2023-06-21. Review status: criteria provided, single submitter. Criteria: Invitae Variant Classification Sherloc (09022015). Collection method: clinical testing. Allele origin: germline.
Comment: This sequence change replaces arginine, which is basic and polar, with glutamine, which is neutral and polar, at codon 651 of the PDE6B protein (p.Arg651Gln). This variant is present in population databases (rs138626553, gnomAD 0.005%). This variant has not been reported in the literature in individuals affected with PDE6B-related conditions. Advanced modeling of protein sequence and biophysical properties (such as structural, functional, and spatial information, amino acid conservation, physicochemical variation, residue mobility, and thermodynamic stability) has been performed at Invitae for this missense variant, however the output from this modeling did not meet the statistical confidence thresholds required to predict the impact of this variant on PDE6B protein function. In summary, the available evidence is currently insufficient to determine the role of this variant in disease. Therefore, it has been classified as a Variant of Uncertain Significance.

Ambry Genetics
Classification: Uncertain significance for Inborn genetic diseases. Last evaluated: 2023-06-06. Review status: criteria provided, single submitter. Criteria: Ambry Variant Classification Scheme 2023. Collection method: clinical testing. Allele origin: germline.